The following is an entry in ClinVar:

ClinVar aggregate classification (germline): Uncertain significance (1 of 4 stars; one submission).

Submission:

GeneDx
Classification: Uncertain significance. Last evaluated: 2024-05-13. Review status: criteria provided, single submitter. Criteria: GeneDx Variant Classification Process June 2021. Collection method: clinical testing. Allele origin: germline. Affected: yes.
Comment: Not observed at significant frequency in large population cohorts (gnomAD); Has not been previously published as pathogenic or benign to our knowledge; In silico analysis suggests this variant may impact gene splicing. In the absence of RNA/functional studies, the actual effect of this sequence change is unknown.

NM_032656.4(DHX37):c.738+5G>A

Gene: DHX37 (DEAH-box helicase 37; minus strand). Cytogenetic location: 12q24.31.
Variant type: single nucleotide variant.
Coding change: c.738+5G>A on transcript NM_032656.4 (MANE Select); 5 bases into the intron after coding-DNA position 738, G replaced by A.
Molecular consequence: intron variant.
Genome position (GRCh38, 1-based): chr12:124,980,485, C>T on the plus strand (G>A on the coding strand, the complement: DHX37 is on the minus strand). VCF-style: chr12-124980485-C-T. GRCh37 (hg19) VCF-style: chr12-125465031-C-T.
Identifiers: ClinVar variation 3378134 (VCV003378134.1).